The following is an entry in ClinVar:

NM_021930.6(RINT1):c.255A>C (p.Lys85Asn)

Gene: RINT1 (RAD50 interactor 1; plus strand). Cytogenetic location: 7q22.3.
Variant type: single nucleotide variant.
Coding change: c.255A>C on transcript NM_021930.6 (MANE Select); coding-DNA position 255, A replaced by C.
Protein change: p.Lys85Asn; replaces lysine 85 with asparagine.
Molecular consequence: missense variant. On other transcripts: 5 prime UTR variant (3), non-coding transcript variant (1), intron variant (1).
Genome position (GRCh38, 1-based): chr7:105,536,731, A>C. VCF-style: chr7-105536731-A-C. GRCh37 (hg19) VCF-style: chr7-105177178-A-C.
Other names: c.-765A>C (NM_001346600.2); c.-668A>C (NM_001346601.2); c.-288A>C (NM_001346603.2); c.39+119A>C (NM_001346599.2); short protein forms K85N.
Identifiers: ClinVar variation 3314421 (VCV003314421.1).

ClinVar aggregate classification (germline): Uncertain significance (1 of 4 stars; one submission).

gnomAD v4.1: 1 of 1,596,702 alleles (0.000063%); highest among the groups gnomAD compares: Non-Finnish European, 0.000085%; no homozygotes.

Submission:

Ambry Genetics
Classification: Uncertain significance. Last evaluated: 2024-03-22. Review status: criteria provided, single submitter. Criteria: Ambry Variant Classification Scheme 2023. Collection method: clinical testing. Allele origin: germline.
Comment: The p.K85N variant (also known as c.255A>C), located in coding exon 3 of the RINT1 gene, results from an A to C substitution at nucleotide position 255. The lysine at codon 85 is replaced by asparagine, an amino acid with similar properties. This amino acid position is conserved. In addition, this alteration is predicted to be tolerated by in silico analysis. Based on the available evidence, the clinical significance of this alteration remains unclear.